The following is an entry in ClinVar:

NM_001382391.1(CSPP1):c.1643A>C (p.Gln548Pro)

Gene: CSPP1 (centrosome and spindle pole associated protein 1; plus strand). Cytogenetic location: 8q13.2.
Variant type: single nucleotide variant.
Coding change: c.1643A>C on transcript NM_001382391.1 (MANE Select); coding-DNA position 1643, A replaced by C.
Protein change: p.Gln548Pro; replaces glutamine 548 with proline.
Molecular consequence: missense variant.
Genome position (GRCh38, 1-based): chr8:67,118,767, A>C. VCF-style: chr8-67118767-A-C. GRCh37 (hg19) VCF-style: chr8-68031002-A-C.
Other names: c.746A>C, p.Gln249Pro (NM_001291339.2); c.1562A>C, p.Gln521Pro (NM_001363131.2); c.1601A>C, p.Gln534Pro (NM_001363132.2); c.1520A>C, p.Gln507Pro (NM_001363133.2); c.1709A>C, p.Gln570Pro (NM_001364869.1); c.1529A>C, p.Gln510Pro (NM_001364870.1); c.1628A>C, p.Gln543Pro (NM_024790.7); short protein forms Q543P, Q510P, Q507P, Q521P, Q534P, Q249P, Q570P, Q548P.
Identifiers: ClinVar variation 842446 (VCV000842446.8), dbSNP rs369723292, ClinGen allele CA4770610.

ClinVar aggregate classification (germline): Uncertain significance. Review status: criteria provided, multiple submitters, no conflicts (2 of 4 stars). 3 submissions from 3 submitters: Uncertain significance (3). Last evaluated 2024-11-08.

Conditions:
Joubert syndrome 21 (JBTS21). Identifiers: MedGen C3810212, MONDO:0014288, OMIM 615636.
Inborn genetic diseases. Identifiers: MedGen C0950123, MeSH D030342.

Allele frequency attached by ClinVar (database versions not stated): TOPMed 0.00004; ESP Exome Variant Server 0.00008.
gnomAD v4.1: 137 of 1,612,386 alleles (0.0085%); highest among the groups gnomAD compares: Non-Finnish European, 0.011%; no homozygotes.

Submissions (3):

Ambry Genetics
Classification: Uncertain significance for Inborn genetic diseases. Last evaluated: 2024-11-08. Review status: criteria provided, single submitter. Criteria: Ambry Variant Classification Scheme 2023. Collection method: clinical testing. Allele origin: germline.

Labcorp Genetics (formerly Invitae), Labcorp
Classification: Uncertain significance for Joubert syndrome 21. Last evaluated: 2023-11-27. Review status: criteria provided, single submitter. Criteria: Invitae Variant Classification Sherloc (09022015). Collection method: clinical testing. Allele origin: germline.
Comment: This sequence change replaces glutamine, which is neutral and polar, with proline, which is neutral and non-polar, at codon 543 of the CSPP1 protein (p.Gln543Pro). This variant is present in population databases (rs369723292, gnomAD 0.004%). This variant has not been reported in the literature in individuals affected with CSPP1-related conditions. ClinVar contains an entry for this variant (Variation ID: 842446). Algorithms developed to predict the effect of missense changes on protein structure and function output the following: SIFT: "Not Available"; PolyPhen-2: "Benign"; Align-GVGD: "Not Available". The proline amino acid residue is found in multiple mammalian species, which suggests that this missense change does not adversely affect protein function. In summary, the available evidence is currently insufficient to determine the role of this variant in disease. Therefore, it has been classified as a Variant of Uncertain Significance.

GeneDx
Classification: Uncertain significance. Last evaluated: 2022-07-21. Review status: criteria provided, single submitter. Criteria: GeneDx Variant Classification Process June 2021. Collection method: clinical testing. Allele origin: germline. Affected: yes.
Comment: Not observed at significant frequency in large population cohorts (gnomAD); In silico analysis supports that this missense variant does not alter protein structure/function; Has not been previously published as pathogenic or benign to our knowledge